The following is an entry in ClinVar:

NM_000392.5(ABCC2):c.4429A>G (p.Thr1477Ala)

Gene: ABCC2 (ATP binding cassette subfamily C member 2; plus strand). Cytogenetic location: 10q24.2.
Variant type: single nucleotide variant.
Coding change: c.4429A>G on transcript NM_000392.5 (MANE Select); coding-DNA position 4429, A replaced by G.
Protein change: p.Thr1477Ala; replaces threonine 1477 with alanine.
Molecular consequence: missense variant.
Genome position (GRCh38, 1-based): chr10:99,850,717, A>G. VCF-style: chr10-99850717-A-G. GRCh37 (hg19) VCF-style: chr10-101610474-A-G.
Other names: c.4429A>G (NM_000392.3); short protein forms T1477A.
Identifiers: ClinVar variation 2636624 (VCV002636624.2), dbSNP rs1018285054, ClinGen allele CA212872118.

ClinVar aggregate classification (germline): Uncertain significance. Review status: criteria provided, multiple submitters, no conflicts (2 of 4 stars). 2 submissions from 2 submitters: Uncertain significance (2). Last evaluated 2025-08-14.

Conditions:
Inborn genetic diseases. Identifiers: MedGen C0950123, MeSH D030342.
ABCC2-related disorder. Also called: ABCC2-related condition.

Allele frequency attached by ClinVar (database versions not stated): gnomAD 0.00001; TOPMed 0.00002; gnomAD exomes 0.00003.
gnomAD v4.1: 43 of 1,614,062 alleles (0.0027%); highest among the groups gnomAD compares: Middle Eastern, 0.016%; no homozygotes.

Submissions (2):

Ambry Genetics
Classification: Uncertain significance for Inborn genetic diseases. Last evaluated: 2025-08-14. Review status: criteria provided, single submitter. Criteria: Ambry Variant Classification Scheme 2023. Collection method: clinical testing. Allele origin: germline.

PreventionGenetics, part of Exact Sciences
Classification: Uncertain significance for ABCC2-related condition. Last evaluated: 2022-09-19. Review status: criteria provided, single submitter. Criteria: ACMG Guidelines, 2015. Collection method: clinical testing. Allele origin: germline.
Comment: The ABCC2 c.4429A>G variant is predicted to result in the amino acid substitution p.Thr1477Ala. To our knowledge, this variant has not been reported in the literature or in a large population database, indicating this variant is rare. At this time, the clinical significance of this variant is uncertain due to the absence of conclusive functional and genetic evidence.